The following is an entry in ClinVar:

ClinVar aggregate classification (germline): Uncertain significance (1 of 4 stars; one submission).

Conditions:
Fanconi anemia complementation group O. Also called: RAD51C-Related Fanconi Anemia. Identifiers: Orphanet 84, MedGen C3150653, MONDO:0013248, OMIM 613390.

Submission:

Labcorp Genetics (formerly Invitae), Labcorp
Classification: Uncertain significance for Fanconi anemia complementation group O. Last evaluated: 2021-01-20. Review status: criteria provided, single submitter. Criteria: Invitae Variant Classification Sherloc (09022015). Collection method: clinical testing. Allele origin: germline.
Comment: In summary, the available evidence is currently insufficient to determine the role of this variant in disease. Therefore, it has been classified as a Variant of Uncertain Significance. Algorithms developed to predict the effect of missense changes on protein structure and function (SIFT, PolyPhen-2, Align-GVGD) all suggest that this variant is likely to be tolerated, but these predictions have not been confirmed by published functional studies and their clinical significance is uncertain. This variant has not been reported in the literature in individuals with RAD51C-related conditions. This variant is not present in population databases (ExAC no frequency). This sequence change replaces serine with asparagine at codon 331 of the RAD51C protein (p.Ser331Asn). The serine residue is moderately conserved and there is a small physicochemical difference between serine and asparagine.

NM_058216.3(RAD51C):c.992G>A (p.Ser331Asn)

Gene: RAD51C (RAD51 paralog C; plus strand). Cytogenetic location: 17q22.
Variant type: single nucleotide variant.
Coding change: c.992G>A on transcript NM_058216.3 (MANE Select); coding-DNA position 992, G replaced by A.
Protein change: p.Ser331Asn; replaces serine 331 with asparagine.
Molecular consequence: missense variant. On other transcripts: non-coding transcript variant (1).
Genome position (GRCh38, 1-based): chr17:58,732,510, G>A. VCF-style: chr17-58732510-G-A. GRCh37 (hg19) VCF-style: chr17-56809871-G-A.
Other names: short protein forms S331N.
Identifiers: ClinVar variation 1473818 (VCV001473818.8), dbSNP rs786202681, ClinGen allele CA400364962.
Genomic context (GRCh38, chr17:58,732,510, plus strand): 5'-TGTTTGTATGTATTTATTCTTTTTCTTTAAGCAGGTTGGCAACATTGTACAAGTCACCCA[G>A]CCAGAAGGAATGCACAGTACTGTTTCAAATCAAAGTCAGTATTATTTGATTAGAGTGGGA-3'
Protein context (NP_478123.1, residues 321-341): QRLATLYKSP[Ser331Asn]QKECTVLFQI